The following is an entry in ClinVar:

ClinVar aggregate classification (germline): Likely benign (1 of 4 stars; one submission).

Conditions:
PLXNA3-related disorder. Also called: PLXNA3-related condition.

gnomAD v4.1: 4 of 1,166,315 alleles (0.00034%); highest among the groups gnomAD compares: Admixed American, 0.0026%; no homozygotes.

Submission:

PreventionGenetics, part of Exact Sciences
Classification: Likely benign for PLXNA3-related condition. Last evaluated: 2026-02-19. Review status: criteria provided, single submitter. Criteria: ACMG Guidelines, 2015. Collection method: clinical testing. Allele origin: germline.
Comment: This variant is classified as likely benign based on ACMG/AMP sequence variant interpretation guidelines (Richards et al. 2015 PMID: 25741868, with internal and published modifications).

NM_017514.5(PLXNA3):c.483G>A (p.Gly161=)

Gene: PLXNA3 (plexin A3; plus strand). Cytogenetic location: Xq28.
Variant type: single nucleotide variant.
Coding change: c.483G>A on transcript NM_017514.5 (MANE Select); coding-DNA position 483, G replaced by A.
Protein change: p.Gly161=; no amino-acid change (glycine 161 retained).
Molecular consequence: synonymous variant.
Genome position (GRCh38, 1-based): chrX:154,460,666, G>A. VCF-style: chrX-154460666-G-A. GRCh37 (hg19) VCF-style: chrX-153689006-G-A.
Identifiers: ClinVar variation 4980416 (VCV004980416.1).
Genomic context (GRCh38, chrX:154,460,666, plus strand): 5'-CCTGTCGGGGGCCCAGGAGCCCGACTCCATGGCTGGTGTCATTGTGGAGCAGGGCCAGGG[G>A]CCCAGCAAGCTGTTTGTGGGCACTGCTGTCGACGGCAAGTCGGAGTACTTCCCCACCTTG-3'
Protein context (NP_059984.3, residues 151-171): MAGVIVEQGQ[Gly161=]PSKLFVGTAV